The following is an entry in ClinVar:

ClinVar aggregate classification (germline): Uncertain significance. Review status: criteria provided, multiple submitters, no conflicts (2 of 4 stars). 2 submissions from 2 submitters: Uncertain significance (2). Last evaluated 2025-03-19.

Conditions:
Breast-ovarian cancer, familial, susceptibility to, 2 (BROVCA2). Also called: BRCA2 Hereditary Breast and Ovarian Cancer. Identifiers: Orphanet 145, MedGen C2675520, MONDO:0012933, OMIM 612555. Disease mechanism: loss of function.
Hereditary breast ovarian cancer syndrome. Also called: Hereditary breast and/or ovarian cancer syndrome; Hereditary breast and ovarian cancer syndrome (HBOC); Breast and ovarian cancer; Hereditary breast and ovarian cancer syndrome; Hereditary breast and ovarian cancer; BRCA1- and BRCA2-Associated Hereditary Breast and Ovarian Cancer. Identifiers: Orphanet 145, MedGen C0677776, MeSH D061325, MONDO:0003582. Disease mechanism: loss of function.

Submissions (2):

Labcorp Genetics (formerly Invitae), Labcorp
Classification: Uncertain significance for Hereditary breast ovarian cancer syndrome. Last evaluated: 2025-03-19. Review status: criteria provided, single submitter. Criteria: Invitae Variant Classification Sherloc (09022015). Collection method: clinical testing. Allele origin: germline.
Comment: This sequence change replaces alanine, which is neutral and non-polar, with valine, which is neutral and non-polar, at codon 2683 of the BRCA2 protein (p.Ala2683Val). This variant is not present in population databases (gnomAD no frequency). This variant has not been reported in the literature in individuals affected with BRCA2-related conditions. ClinVar contains an entry for this variant (Variation ID: 2663983). Invitae Evidence Modeling of protein sequence and biophysical properties (such as structural, functional, and spatial information, amino acid conservation, physicochemical variation, residue mobility, and thermodynamic stability) indicates that this missense variant is not expected to disrupt BRCA2 protein function with a negative predictive value of 95%. In summary, the available evidence is currently insufficient to determine the role of this variant in disease. Therefore, it has been classified as a Variant of Uncertain Significance.

St. Jude Molecular Pathology, St. Jude Children's Research Hospital
Classification: Uncertain significance for Breast-ovarian cancer, familial, susceptibility to, 2. Last evaluated: 2023-09-08. Review status: criteria provided, single submitter. Criteria: St. Jude Assertion Criteria 2020. Collection method: clinical testing. Allele origin: germline.
Comment: The BRCA2 c.8048C>T (p.Ala2683Val) missense change is absent in gnomAD v2.1.1. The in silico tool REVEL predicts a deleterious effect on protein function, but to our knowledge this prediction has not been confirmed by functional studies. To our knowledge, this variant has not been reported in individuals with BRCA2-related disease. In summary, the evidence currently available is insufficient to determine the clinical significance of this variant. It has therefore been classified as of uncertain significance.

NM_000059.4(BRCA2):c.8048C>T (p.Ala2683Val)

Gene: BRCA2 (BRCA2 DNA repair associated; plus strand). Cytogenetic location: 13q13.1.
Variant type: single nucleotide variant.
Coding change: c.8048C>T on transcript NM_000059.4 (MANE Select); coding-DNA position 8048, C replaced by T.
Protein change: p.Ala2683Val; replaces alanine 2683 with valine.
Molecular consequence: missense variant. On other transcripts: non-coding transcript variant (1).
Genome position (GRCh38, 1-based): chr13:32,363,250, C>T. VCF-style: chr13-32363250-C-T. GRCh37 (hg19) VCF-style: chr13-32937387-C-T.
Other names: c.7952C>T, p.Ala2651Val (NM_001406719.1); c.8048C>T, p.Ala2683Val (NM_001406720.1); c.3116C>T, p.Ala1039Val (NM_001406721.1); c.1631C>T, p.Ala544Val (NM_001406722.1); short protein forms A1039V, A2651V, A2683V, A544V.
Identifiers: ClinVar variation 2663983 (VCV002663983.2), dbSNP rs2137580251, ClinGen allele CA387749051.